The following is an entry in ClinVar:

ClinVar aggregate classification (germline): Uncertain significance (1 of 4 stars; one submission).

Conditions:
Autosomal recessive limb-girdle muscular dystrophy type 2L (LGMDR12). Also called: Limb-Girdle Muscular Dystrophy R12 Anoctamin-5-Related (LGMD-R12); Limb-girdle muscular dystrophy, type 2L; MUSCULAR DYSTROPHY, LIMB-GIRDLE, AUTOSOMAL RECESSIVE 12. Identifiers: Orphanet 206549, MedGen C1969785, MONDO:0012652, OMIM 611307.
Gnathodiaphyseal dysplasia (GDD). Also called: GNATHODIAPHYSEAL SCLEROSIS; OSTEOGENESIS IMPERFECTA WITH UNUSUAL SKELETAL LESIONS. Identifiers: Orphanet 53697, MedGen C1833736, MONDO:0008151, OMIM 166260.

Submission:

Labcorp Genetics (formerly Invitae), Labcorp
Classification: Uncertain significance for Autosomal recessive limb-girdle muscular dystrophy type 2L; Gnathodiaphyseal dysplasia. Last evaluated: 2022-01-16. Review status: criteria provided, single submitter. Criteria: Invitae Variant Classification Sherloc (09022015). Collection method: clinical testing. Allele origin: germline.
Comment: In summary, the available evidence is currently insufficient to determine the role of this variant in disease. Therefore, it has been classified as a Variant of Uncertain Significance. ClinVar contains an entry for this variant (Variation ID: 468844). This variant has not been reported in the literature in individuals affected with ANO5-related conditions. This variant is not present in population databases (gnomAD no frequency). This sequence change creates a premature translational stop signal (p.Glu868Lysfs*10) in the ANO5 gene. While this is not anticipated to result in nonsense mediated decay, it is expected to disrupt the last 46 amino acid(s) of the ANO5 protein.

NM_213599.3(ANO5):c.2602_2603del (p.Glu868fs)

Gene: ANO5 (anoctamin 5; plus strand). Cytogenetic location: 11p14.3.
Variant type: Microsatellite.
Coding change: c.2602_2603del on transcript NM_213599.3 (MANE Select); coding-DNA positions 2602 to 2603, 2 bases deleted (GA; older notation c.2602_2603delGA).
Protein change: p.Glu868fs; shifts the reading frame from glutamic acid 868.
Molecular consequence: frameshift variant.
Genome position (GRCh38, 1-based): chr11:22,279,625-22,279,626, GA deleted; deleting any 2 consecutive bases within chr11:22,279,620-22,279,626 gives the same sequence; the c. name uses the placement nearest the transcript's 3' end. VCF-style (leftmost placement, unchanged base first): chr11-22279619-AAG-A. GRCh37 (hg19) VCF-style: chr11-22301165-AAG-A.
Other names: c.2602_2603delGA (NM_213599.2); c.2599_2600del, p.Glu867fs (NM_001142649.2); short protein forms E867fs, E868fs.
Identifiers: ClinVar variation 468844 (VCV000468844.8), dbSNP rs1554935928, ClinGen allele CA658658035.